The following is an entry in ClinVar:

ClinVar aggregate classification (germline): Benign (0 of 4 stars; one submission).

Conditions:
NDUFAF8-related disorder. Also called: NDUFAF8-related condition.

Allele frequency attached by ClinVar (database versions not stated): gnomAD exomes 0.00187; gnomAD 0.00461; TOPMed 0.00744; ExAC 0.00780; 1000 Genomes Project 30x 0.01312; 1000 Genomes Project 0.01318.
gnomAD v4.1: 3,238 of 1,450,946 alleles (0.22%); highest among the groups gnomAD compares: East Asian, 3.2%; 36 homozygotes.

Submission:

PreventionGenetics, part of Exact Sciences
Classification: Benign for NDUFAF8-related condition. Last evaluated: 2020-06-12. Review status: no assertion criteria provided. Collection method: clinical testing. Allele origin: germline.
Comment: This variant is classified as benign based on ACMG/AMP sequence variant interpretation guidelines (Richards et al. 2015 PMID: 25741868, with internal and published modifications).

NM_001086521.2(NDUFAF8):c.*111C>T

Gene: NDUFAF8 (NADH:ubiquinone oxidoreductase complex assembly factor 8; plus strand). Cytogenetic location: 17q25.3.
Variant type: single nucleotide variant.
Coding change: c.*111C>T on transcript NM_001086521.2 (MANE Select); 111 bases downstream of the stop codon, C replaced by T.
Molecular consequence: 3 prime UTR variant. On other transcripts: nonsense (2), non-coding transcript variant (1).
Genome position (GRCh38, 1-based): chr17:81,241,127, C>T. VCF-style: chr17-81241127-C-T. GRCh37 (hg19) VCF-style: chr17-79214927-C-T.
Other names: c.340C>T, p.Arg114Ter (NM_001353402.1); c.178C>T, p.Arg60Ter (NM_001353403.1); short protein forms R114*, R60*.
Identifiers: ClinVar variation 3059094 (VCV003059094.2), dbSNP rs76221565, ClinGen allele CA8831246.